The following is an entry in ClinVar:

ClinVar aggregate classification (germline): Benign/Likely benign. Review status: criteria provided, multiple submitters, no conflicts (2 of 4 stars). 10 submissions from 9 submitters: Benign (8); Likely benign (2). Last evaluated 2026-02-03.

Conditions:
Fibromatosis, gingival, 1 (GINGF1). Identifiers: Orphanet 2024, MedGen C4551558, MONDO:0007609, OMIM 135300.
Noonan syndrome 4 (NS4). Also called: NOONAN SYNDROME WITH PIGMENTED VILLONODULAR SYNOVITIS; SOS1-Related Noonan Syndrome. Identifiers: Orphanet 648, MedGen C1853120, MONDO:0012547, OMIM 610733.
RASopathy. Also called: rasopathies; Noonan spectrum disorder. Identifiers: Orphanet 536391, MedGen C5555857, MONDO:0021060.

Allele frequency attached by ClinVar (database versions not stated): 1000 Genomes Project 30x 0.00187; ESP Exome Variant Server 0.00200; gnomAD 0.00209 and 0.00223; gnomAD exomes 0.00022 and 0.00046; ExAC 0.00059; 1000 Genomes Project 0.00160; TOPMed 0.00246.
gnomAD v4.1: 589 of 1,299,058 alleles (0.045%); highest among the groups gnomAD compares: African/African-American, 0.77%; 2 homozygotes.

Submissions (10):

Labcorp Genetics (formerly Invitae), Labcorp
Classification: Benign for RASopathy. Last evaluated: 2026-02-03. Review status: criteria provided, single submitter. Criteria: Invitae Variant Classification Sherloc (09022015). Collection method: clinical testing. Allele origin: germline.

ARUP Laboratories, Molecular Genetics and Genomics, ARUP Laboratories
Classification: Benign. Last evaluated: 2024-11-12. Review status: criteria provided, single submitter. Criteria: ARUP Molecular Germline Variant Investigation Process 2024. Collection method: clinical testing. Allele origin: germline.

Blueprint Genetics
Classification: Likely benign. Last evaluated: 2024-09-25. Review status: criteria provided, single submitter. Criteria: ACMG Guidelines, 2015. Collection method: clinical testing. Allele origin: germline.

Fulgent Genetics
Classification: Likely benign for Fibromatosis, gingival, 1; Noonan syndrome 4. Last evaluated: 2021-07-23. Review status: criteria provided, single submitter. Criteria: ACMG Guidelines, 2015. Collection method: clinical testing. Allele origin: unknown.

Women's Health and Genetics/Laboratory Corporation of America, LabCorp
Classification: Benign. Last evaluated: 2020-07-06. Review status: criteria provided, single submitter. Criteria: LabCorp Variant Classification Summary - May 2015. Collection method: clinical testing. Allele origin: germline.
Comment: Variant summary: SOS1 c.3081+13A>G alters a non-conserved nucleotide located close to a canonical splice site and therefore could affect mRNA splicing, leading to a significantly altered protein sequence. 4/4 computational tools predict no significant impact on normal splicing. However, these predictions have yet to be confirmed by functional studies. The variant allele was found at a frequency of 0.00046 in 250996 control chromosomes, predominantly at a frequency of 0.0065 within the African or African-American subpopulation in the gnomAD database. The observed variant frequency within African or African-American control individuals in the gnomAD database is approximately 217 fold of the estimated maximal expected allele frequency for a pathogenic variant in SOS1 causing Noonan Syndrome and Related Conditions phenotype (3e-05), strongly suggesting that the variant is a benign polymorphism found primarily in populations of African or African-American origin. To our knowledge, no occurrence of c.3081+13A>G in individuals affected with Noonan Syndrome and Related Conditions and no experimental evidence demonstrating its impact on protein function have been reported. No clinical diagnostic laboratories have submitted clinical-significance assessments for this variant to ClinVar after 2014. Based on the evidence outlined above, the variant was classified as benign.

GeneDx
Classification: Benign. Last evaluated: 2013-01-02. Review status: criteria provided, single submitter. Criteria: GeneDx Variant Classification (06012015). Collection method: clinical testing. Allele origin: germline. Affected: yes.
Comment: This variant is considered likely benign or benign based on one or more of the following criteria: it is a conservative change, it occurs at a poorly conserved position in the protein, it is predicted to be benign by multiple in silico algorithms, and/or has population frequency not consistent with disease.

Laboratory for Molecular Medicine, Mass General Brigham Personalized Medicine
Classification: Benign. Last evaluated: 2012-03-19. Review status: criteria provided, single submitter. Criteria: LMM Criteria. Collection method: clinical testing. Allele origin: germline. Observed: 1 variant allele.
Comment: c.3081+13A>G in Intron 19 of SOS1: This variant is not expected to have clinical significance because it is not located within the splice consensus sequence and has been identified in 0.7% (27/3738) of African American chromosomes from a br oad population by the NHLBI Exome Sequencing Project (du/EVS;).

Genome-Nilou Lab
Classification: Benign for Noonan syndrome 4. Review status: criteria provided, single submitter. Criteria: ACMG Guidelines, 2015. Collection method: clinical testing. Allele origin: germline.

Genome-Nilou Lab
Classification: Benign for Fibromatosis, gingival, 1. Review status: criteria provided, single submitter. Criteria: ACMG Guidelines, 2015. Collection method: clinical testing. Allele origin: germline.

PreventionGenetics, part of Exact Sciences
Classification: Benign. Review status: criteria provided, single submitter. Criteria: ACMG Guidelines, 2015. Collection method: clinical testing. Allele origin: germline.

NM_005633.4(SOS1):c.3081+13A>G

Gene: SOS1 (SOS Ras/Rac guanine nucleotide exchange factor 1; minus strand). Cytogenetic location: 2p22.1.
Variant type: single nucleotide variant.
Coding change: c.3081+13A>G on transcript NM_005633.4 (MANE Select); 13 bases into the intron after coding-DNA position 3081, A replaced by G.
Molecular consequence: intron variant.
Genome position (GRCh38, 1-based): chr2:38,996,909, T>C on the plus strand (A>G on the coding strand, the complement: SOS1 is on the minus strand). VCF-style: chr2-38996909-T-C. GRCh37 (hg19) VCF-style: chr2-39224050-T-C.
Other names: c.3060+13A>G (NM_001382394.1); c.3081+13A>G (NM_001382395.1).
Identifiers: ClinVar variation 40717 (VCV000040717.18), dbSNP rs189695571, ClinGen allele CA293650.